The following is an entry in ClinVar:

NM_024422.6(DSC2):c.577_624del (p.Gly193_Ser208del)

Gene: DSC2 (desmocollin 2; minus strand). Cytogenetic location: 18q12.1.
Variant type: Deletion.
Coding change: c.577_624del on transcript NM_024422.6 (MANE Select); coding-DNA positions 577 to 624, 48 bases deleted.
Protein change: p.Gly193_Ser208del.
Molecular consequence: inframe deletion.
Genome position (GRCh38, 1-based): chr18:31,089,445-31,089,492, 48 bases deleted; deleting any 48 consecutive bases within chr18:31,089,445-31,089,494 gives the same sequence; the c. name uses the placement nearest the transcript's 3' end. GRCh37 (hg19): chr18:28,669,410-28,669,457.
Other names: c.577_624del, p.Gly193_Ser208del (NM_004949.5); c.577_624del48 (NM_024422.3).
Identifiers: ClinVar variation 536275 (VCV000536275.13), dbSNP rs767081975, ClinGen allele CA038870.

ClinVar aggregate classification (germline): Uncertain significance. Review status: criteria provided, multiple submitters, no conflicts (2 of 4 stars). 3 submissions from 3 submitters: Uncertain significance (3). Last evaluated 2025-10-03.

Conditions:
Cardiovascular phenotype. Identifiers: MedGen CN230736.
Cardiomyopathy (CMYO). Also called: Cardiomyopathies. Identifiers: Orphanet 167848, MedGen C0878544, MONDO:0004994, HP:0001638. Inheritance: Various modes of inheritance.
Arrhythmogenic right ventricular dysplasia 11. Also called: Arrhythmogenic right ventricular dysplasia 11 with mild palmoplantar keratoderma and woolly hair; Arrhythmogenic Right Ventricular Dysplasia/Cardiomyopathy11; ARRHYTHMOGENIC RIGHT VENTRICULAR DYSPLASIA, FAMILIAL, 11. Identifiers: MedGen C1864850, MONDO:0012506, OMIM 610476.

Submissions (3):

Labcorp Genetics (formerly Invitae), Labcorp
Classification: Uncertain significance for Arrhythmogenic right ventricular dysplasia 11. Last evaluated: 2025-10-03. Review status: criteria provided, single submitter. Criteria: Invitae Variant Classification Sherloc (09022015). Collection method: clinical testing. Allele origin: germline.
Comment: This variant, c.577_624del, results in the deletion of 16 amino acid(s) of the DSC2 protein (p.Gly193_Ser208del), but otherwise preserves the integrity of the reading frame. The frequency data for this variant in the population databases is considered unreliable, as metrics indicate poor data quality at this position in the gnomAD database. This variant has been observed in individual(s) with arrhythmogenic cardiomyopathy (PMID: 34393635). ClinVar contains an entry for this variant (Variation ID: 536275). Experimental studies and prediction algorithms are not available or were not evaluated, and the functional significance of this variant is currently unknown. This variant disrupts a region of the DSC2 protein in which other variant(s) (p.Arg203Cys) have been observed in individuals with DSC2-related conditions (PMID: 21062920). This suggests that this is a clinically significant region of the protein, and that variants that disrupt it are likely to be disease-causing. In summary, the available evidence is currently insufficient to determine the role of this variant in disease. Therefore, it has been classified as a Variant of Uncertain Significance.

Ambry Genetics
Classification: Uncertain significance for Cardiovascular phenotype. Last evaluated: 2025-09-04. Review status: criteria provided, single submitter. Criteria: Ambry Variant Classification Scheme 2023. Collection method: clinical testing. Allele origin: germline.
Comment: The c.577_624del48 variant (also known as p.G193_S208del) is located in coding exon 5 of the DSC2 gene. This variant results from an in-frame GGAAACTTGTATTGTACTCGTCCTGTAGATCGTGAGCAGTATGAATCT deletion at nucleotide positions 577 to 624. This results in the in-frame deletion of 16 amino acids between codons 193 and 208. This variant was reported in individual(s) with features consistent with arrhythmogenic right ventricular cardiomyopathy (Gabartait D et al. Acta Med Litu, 2021 Jan;28:127-135). This amino acid region is poorly conserved in available vertebrate species. In addition, this variant is predicted to be deleterious by in silico analysis (Choi Y et al. PLoS ONE. 2012; 7(10):e46688). Based on the available evidence, the clinical significance of this variant remains unclear.

Color Diagnostics, LLC DBA Color Health
Classification: Uncertain significance for Cardiomyopathy. Last evaluated: 2023-01-27. Review status: criteria provided, single submitter. Criteria: ACMG Guidelines, 2015. Collection method: clinical testing. Allele origin: germline.
Comment: This variant results in the deletion of 16 amino acids of the DSC2 protein. To our knowledge, functional studies have not been reported for this variant. This variant has been reported in an individual affected with arrhythmogenic right ventricular cardiomyopathy (PMID: 34393635). This variant has not been identified in the general population by the Genome Aggregation Database (gnomAD). The available evidence is insufficient to determine the role of this variant in disease conclusively. Therefore, this variant is classified as a Variant of Uncertain Significance.

Literature cited by the submitters: PubMed 34393635 (cited by 3 submitters); PubMed 21062920 (cited by Labcorp Genetics (formerly Invitae), Labcorp).